The following is an entry in ClinVar:

ClinVar aggregate classification (germline): Pathogenic (1 of 4 stars; one submission).

Conditions:
Duchenne muscular dystrophy (DMD). Also called: MUSCULAR DYSTROPHY, PSEUDOHYPERTROPHIC PROGRESSIVE, DUCHENNE TYPE; Duchenne Muscular Dystrophy (DMD). Identifiers: Orphanet 98896, MedGen C0013264, MONDO:0010679, OMIM 310200.

Submission:

Labcorp Genetics (formerly Invitae), Labcorp
Classification: Pathogenic for Duchenne muscular dystrophy. Last evaluated: 2022-07-26. Review status: criteria provided, single submitter. Criteria: Invitae Variant Classification Sherloc (09022015). Collection method: clinical testing. Allele origin: germline.
Comment: This sequence change creates a premature translational stop signal (p.Arg48Lysfs*41) in the DMD gene. It is expected to result in an absent or disrupted protein product. Loss-of-function variants in DMD are known to be pathogenic (PMID: 16770791, 25007885). This variant is not present in population databases (gnomAD no frequency). This variant has not been reported in the literature in individuals affected with DMD-related conditions. ClinVar contains an entry for this variant (Variation ID: 1071817). For these reasons, this variant has been classified as Pathogenic.

Literature cited by the submitters: PubMed 16770791; PubMed 25007885.

NM_004006.3(DMD):c.142dup (p.Arg48fs)

Gene: DMD (dystrophin; minus strand). Cytogenetic location: Xp21.1.
Variant type: Duplication.
Coding change: c.142dup on transcript NM_004006.3 (MANE Select); coding-DNA position 142, one base duplicated (A; older notation c.142dupA).
Protein change: p.Arg48fs; shifts the reading frame from arginine 48.
Molecular consequence: frameshift variant. On other transcripts: 5 prime UTR variant (1).
Genome position (GRCh38, 1-based): chrX:32,849,772, T duplicated on the plus strand (A on the coding strand, the reverse complement: DMD is on the minus strand). VCF-style (leftmost placement, unchanged base first): chrX-32849771-C-CT. GRCh37 (hg19) VCF-style: chrX-32867888-C-CT.
Other names: c.118dup, p.Arg40fs (NM_000109.4); c.130dup, p.Arg44fs (NM_004009.3); c.-228dup (NM_004010.3); short protein forms R40fs, R44fs, R48fs.
Identifiers: ClinVar variation 1071817 (VCV001071817.7), dbSNP rs2149015246, ClinGen allele CA2499226668.
Genomic context (GRCh38, chrX:32,849,771, plus strand): 5'-AAAAATAAGTCACATACCAGTTTTTGCCCTGTCAGGCCTTCGAGGAGGTCTAGGAGGCGC[C>CT]TCCCATCCTGTAGGTCACTGAAGAGGTTCTCAATATGCTGCTTCCCAAACTGAAATTAAA-3'